The following is an entry in ClinVar:

ClinVar aggregate classification (germline): Benign. Review status: criteria provided, multiple submitters, no conflicts (2 of 4 stars). 3 submissions from 3 submitters: Benign (3). Last evaluated 2026-01-21.

Allele frequency attached by ClinVar (database versions not stated): 1000 Genomes Project 30x 0.94144; 1000 Genomes Project 0.94349; ESP Exome Variant Server 0.94864; TOPMed 0.94869; gnomAD 0.95452; ExAC 0.98137; gnomAD exomes 0.99370.
gnomAD v4.1: 1,586,054 of 1,602,524 alleles (99%); highest among the groups gnomAD compares: Non-Finnish European, 100%; 785,813 homozygotes.

Submissions (3):

Women's Health and Genetics/Laboratory Corporation of America, LabCorp
Classification: Benign. Last evaluated: 2026-01-21. Review status: criteria provided, single submitter. Criteria: LabCorp Variant Classification Summary - May 2015. Collection method: clinical testing. Allele origin: germline.

Unidad de Genómica Garrahan, Hospital de Pediatría Garrahan
Classification: Benign. Last evaluated: 2024-01-24. Review status: criteria provided, single submitter. Criteria: ACMG Guidelines, 2015. Collection method: clinical testing. Allele origin: germline. Affected: no. Observed: 95 variant alleles.
Comment: This variant is classified as Benign based on local population frequency. This variant was detected in 100% of patients studied by a panel of primary immunodeficiencies. Number of patients: 95. Only high quality variants are reported.

Mayo Clinic Laboratories, Mayo Clinic
Classification: Benign. Last evaluated: 2022-04-14. Review status: criteria provided, single submitter. Criteria: ACMG Guidelines, 2015. Collection method: clinical testing. Allele origin: germline. Observed: 27 variant alleles.

NM_015274.3(MAN2B2):c.*20G>T

Genes: MAN2B2 (mannosidase alpha class 2B member 2; plus strand), MRFAP1-AS1 (MRFAP1 antisense RNA 1; minus strand). Cytogenetic location: 4p16.1.
Variant type: single nucleotide variant.
Coding change: c.*20G>T on transcript NM_015274.3 (MANE Select); 20 bases downstream of the stop codon, G replaced by T.
Molecular consequence: 3 prime UTR variant.
Genome position (GRCh38, 1-based): chr4:6,621,305, G>T. VCF-style: chr4-6621305-G-T. GRCh37 (hg19) VCF-style: chr4-6623032-G-T.
Other names: c.*20G>T (NM_001292038.2).
Identifiers: ClinVar variation 2688064 (VCV002688064.4), dbSNP rs4234768, ClinGen allele CA2841601.